The following is an entry in ClinVar:

ClinVar aggregate classification (germline): Conflicting classifications of pathogenicity. Review status: criteria provided, conflicting classifications (1 of 4 stars). 3 submissions from 3 submitters: Uncertain significance (2); Benign (1). Last evaluated 2025-09-09.

Conditions:
Hereditary cancer-predisposing syndrome. Also called: Tumor predisposition; Hereditary Cancer Syndrome; Hereditary neoplastic syndrome; Neoplastic Syndromes, Hereditary. Identifiers: Orphanet 140162, MedGen C0027672, MeSH D009386, MONDO:0015356.
Familial adenomatous polyposis 2. Also called: COLORECTAL ADENOMATOUS POLYPOSIS, AUTOSOMAL RECESSIVE; MUTYH Polyposis; MUTYH-associated polyposis; MUTYH-related attenuated familial adenomatous polyposis; Adenomas, multiple colorectal; ADENOMAS, MULTIPLE COLORECTAL, AUTOSOMAL RECESSIVE. Identifiers: Orphanet 220460, Orphanet 247798, MedGen C3272841, MONDO:0012041, OMIM 608456.

Submissions (3):

Ambry Genetics
Classification: Benign for Hereditary cancer-predisposing syndrome. Last evaluated: 2025-09-09. Review status: criteria provided, single submitter. Criteria: Ambry Variant Classification Scheme 2023. Collection method: clinical testing. Allele origin: germline.

Labcorp Genetics (formerly Invitae), Labcorp
Classification: Uncertain significance for Familial adenomatous polyposis 2. Last evaluated: 2021-12-15. Review status: criteria provided, single submitter. Criteria: Invitae Variant Classification Sherloc (09022015). Collection method: clinical testing. Allele origin: germline.
Comment: Algorithms developed to predict the effect of missense changes on protein structure and function (SIFT, PolyPhen-2, Align-GVGD) all suggest that this variant is likely to be tolerated. In summary, the available evidence is currently insufficient to determine the role of this variant in disease. Therefore, it has been classified as a Variant of Uncertain Significance. ClinVar contains an entry for this variant (Variation ID: 422864). This variant has not been reported in the literature in individuals affected with MUTYH-related conditions. This variant is not present in population databases (gnomAD no frequency). This sequence change replaces serine, which is neutral and polar, with threonine, which is neutral and polar, at codon 322 of the MUTYH protein (p.Ser322Thr).

GeneDx
Classification: Uncertain significance. Last evaluated: 2016-12-07. Review status: criteria provided, single submitter. Criteria: GeneDx Variant Classification (06012015). Collection method: clinical testing. Allele origin: germline. Affected: yes.
Comment: This variant is denoted MUTYH c.965G>C at the cDNA level, p.Ser322Thr (S322T) at the protein level, and results in the change of a Serine to a Threonine (AGC>ACC). This variant has not, to our knowledge, been published in the literature as pathogenic or benign. MUTYH Ser322Thr was not observed in approximately 6,500 individuals of European and African American ancestry in the NHLBI Exome Sequencing Project, suggesting it is not a common benign variant in these populations. Since Serine and Threonine share similar properties, this is considered a conservative amino acid substitution. MUTYH Ser322Thr occurs at a position that is not conserved and is not located in a known functional domain (Ruggieri 2013, UniProt). In silico analyses predict that this variant is unlikely to alter protein structure or function. Based on currently available evidence, it is unclear whether MUTYH Ser322Thr is a pathogenic or benign variant. We consider it to be a variant of uncertain significance.

NM_001048174.2(MUTYH):c.881G>C (p.Ser294Thr)

Gene: MUTYH (mutY DNA glycosylase; minus strand). Cytogenetic location: 1p34.1.
Variant type: single nucleotide variant.
Coding change: c.881G>C on transcript NM_001048174.2 (MANE Select); coding-DNA position 881, G replaced by C.
Protein change: p.Ser294Thr; replaces serine 294 with threonine.
Molecular consequence: missense variant. On other transcripts: non-coding transcript variant (2).
Genome position (GRCh38, 1-based): chr1:45,332,055, C>G on the plus strand (G>C on the coding strand, the complement: MUTYH is on the minus strand). VCF-style: chr1-45332055-C-G. GRCh37 (hg19) VCF-style: chr1-45797727-C-G.
Other names: c.881G>C, p.Ser294Thr (NM_001048171.2, NM_001048173.2, NM_001293195.2); c.884G>C, p.Ser295Thr (NM_001048172.2); c.965G>C, p.Ser322Thr (NM_001128425.2); c.926G>C, p.Ser309Thr (NM_001293190.2); c.914G>C, p.Ser305Thr (NM_001293191.2); c.605G>C, p.Ser202Thr (NM_001293192.2, NM_001293196.2); c.536G>C, p.Ser179Thr (NM_001350650.2, NM_001350651.2); c.956G>C, p.Ser319Thr (NM_012222.3); short protein forms S322T, S179T, S295T, S305T, S309T, S202T, S294T, S319T.
Identifiers: ClinVar variation 422864 (VCV000422864.11), dbSNP rs587781810, ClinGen allele CA16617158.